The following is an entry in ClinVar:

ClinVar aggregate classification (germline): Likely benign (1 of 4 stars; one submission).

Allele frequency attached by ClinVar (database versions not stated): 1000 Genomes Project 30x 0.00109; 1000 Genomes Project 0.00120; gnomAD 0.00317; gnomAD exomes 0.00317.
gnomAD v4.1: 881 of 274,350 alleles (0.32%); highest among the groups gnomAD compares: Non-Finnish European, 0.4%; 3 homozygotes.

Submission:

CeGaT Center for Human Genetics Tuebingen
Classification: Likely benign. Last evaluated: 2026-08-01. Review status: criteria provided, single submitter. Criteria: CeGaT Center For Human Genetics Tuebingen Variant Classification Criteria Version 2. Collection method: clinical testing. Allele origin: germline. Affected: yes. Observed: 17 variant alleles.
Comment: KCNQ1OT1: BS2

NM_000218.3(KCNQ1):c.1393+31365T>A

Genes: KCNQ1 (potassium voltage-gated channel subfamily Q member 1; plus strand), KCNQ1OT1 (KCNQ1 opposite strand/antisense transcript 1; minus strand). Cytogenetic location: 11p15.5.
Variant type: single nucleotide variant.
Coding change: c.1393+31365T>A on transcript NM_000218.3 (MANE Select); 31365 bases into the intron after coding-DNA position 1393, T replaced by A.
Molecular consequence: intron variant. On other transcripts: non-coding transcript variant (1).
Genome position (GRCh38, 1-based): chr11:2,620,219, T>A. VCF-style: chr11-2620219-T-A. GRCh37 (hg19) VCF-style: chr11-2641449-T-A.
Other names: c.1123+31365T>A (NM_001406837.1); c.1297+31365T>A (NM_001406836.1); c.853+31365T>A (NM_001406838.1); c.1012+31365T>A (NM_181798.2).
Identifiers: ClinVar variation 2641385 (VCV002641385.24), dbSNP rs186335747, ClinGen allele CA216362022.